The following is an entry in ClinVar:

ClinVar aggregate classification (germline): Likely benign. Review status: criteria provided, multiple submitters, no conflicts (2 of 4 stars). 3 submissions from 3 submitters: Likely benign (3). Last evaluated 2025-11-09.

Conditions:
SPEG-related disorder. Also called: SPEG-related condition.

gnomAD v4.1: 119 of 1,613,574 alleles (0.0074%); highest among the groups gnomAD compares: Non-Finnish European, 0.009%; no homozygotes.

Submissions (3):

PreventionGenetics, part of Exact Sciences
Classification: Likely benign for SPEG-related condition. Last evaluated: 2025-11-09. Review status: criteria provided, single submitter. Criteria: ACMG Guidelines, 2015. Collection method: clinical testing. Allele origin: germline.
Comment: This variant is classified as likely benign based on ACMG/AMP sequence variant interpretation guidelines (Richards et al. 2015 PMID: 25741868, with internal and published modifications).

Labcorp Genetics (formerly Invitae), Labcorp
Classification: Likely benign. Last evaluated: 2024-10-18. Review status: criteria provided, single submitter. Criteria: Invitae Variant Classification Sherloc (09022015). Collection method: clinical testing. Allele origin: germline.

Blueprint Genetics
Classification: Likely benign. Last evaluated: 2022-04-13. Review status: criteria provided, single submitter. Criteria: ACMG Guidelines, 2015. Collection method: clinical testing. Allele origin: germline.

NM_005876.5(SPEG):c.6696C>G (p.Pro2232=)

Genes: ASIC4-AS1 (ASIC4 antisense RNA 1; minus strand), SPEG (striated muscle enriched protein kinase; plus strand). Cytogenetic location: 2q35.
Variant type: single nucleotide variant.
Coding change: c.6696C>G on transcript NM_005876.5 (MANE Select); coding-DNA position 6696, C replaced by G.
Protein change: p.Pro2232=; no amino-acid change (proline 2232 retained).
Molecular consequence: synonymous variant.
Genome position (GRCh38, 1-based): chr2:219,484,159, C>G. VCF-style: chr2-219484159-C-G. GRCh37 (hg19) VCF-style: chr2-220348881-C-G.
Other names: c.6696C>G (NM_005876.4).
Identifiers: ClinVar variation 1648001 (VCV001648001.10), dbSNP rs745312329, ClinGen allele CA2127091.